The following is an entry in ClinVar:

ClinVar aggregate classification (germline): Uncertain significance. Review status: criteria provided, multiple submitters, no conflicts (2 of 4 stars). 2 submissions from 2 submitters: Uncertain significance (2). Last evaluated 2025-12-20.

Conditions:
Tuberous sclerosis 2 (TSC2). Identifiers: Orphanet 805, MedGen C1860707, MONDO:0013199, OMIM 613254.
Hereditary cancer-predisposing syndrome. Also called: Hereditary neoplastic syndrome; Tumor predisposition; Neoplastic Syndromes, Hereditary; Hereditary Cancer Syndrome. Identifiers: Orphanet 140162, MedGen C0027672, MeSH D009386, MONDO:0015356.

Submissions (2):

Labcorp Genetics (formerly Invitae), Labcorp
Classification: Uncertain significance for Tuberous sclerosis 2. Last evaluated: 2025-12-20. Review status: criteria provided, single submitter. Criteria: Invitae Variant Classification Sherloc (09022015). Collection method: clinical testing. Allele origin: germline.
Comment: This sequence change replaces arginine, which is basic and polar, with lysine, which is basic and polar, at codon 139 of the TSC2 protein (p.Arg139Lys). This variant is not present in population databases (gnomAD no frequency). This variant has not been reported in the literature in individuals affected with TSC2-related conditions. ClinVar contains an entry for this variant (Variation ID: 953112). Invitae Evidence Modeling of protein sequence and biophysical properties (such as structural, functional, and spatial information, amino acid conservation, physicochemical variation, residue mobility, and thermodynamic stability) indicates that this missense variant is not expected to disrupt TSC2 protein function with a negative predictive value of 95%. In summary, the available evidence is currently insufficient to determine the role of this variant in disease. Therefore, it has been classified as a Variant of Uncertain Significance.

Ambry Genetics
Classification: Uncertain significance for Hereditary cancer-predisposing syndrome. Last evaluated: 2025-03-05. Review status: criteria provided, single submitter. Criteria: Ambry Variant Classification Scheme 2023. Collection method: clinical testing. Allele origin: germline.
Comment: The p.R139K variant (also known as c.416G>A), located in coding exon 4 of the TSC2 gene, results from a G to A substitution at nucleotide position 416. The arginine at codon 139 is replaced by lysine, an amino acid with highly similar properties. This amino acid position is conserved. In addition, the in silico prediction for this alteration is inconclusive. Based on the available evidence, the clinical significance of this variant remains unclear.

NM_000548.5(TSC2):c.416G>A (p.Arg139Lys)

Gene: TSC2 (TSC complex subunit 2; plus strand). Cytogenetic location: 16p13.3.
Variant type: single nucleotide variant.
Coding change: c.416G>A on transcript NM_000548.5 (MANE Select); coding-DNA position 416, G replaced by A.
Protein change: p.Arg139Lys; replaces arginine 139 with lysine.
Molecular consequence: missense variant. On other transcripts: intron variant (1).
Genome position (GRCh38, 1-based): chr16:2,054,375, G>A. VCF-style: chr16-2054375-G-A. GRCh37 (hg19) VCF-style: chr16-2104376-G-A.
Other names: c.416G>A, p.Arg139Lys (NM_001077183.3, NM_001114382.3, NM_001363528.2 and 3 more transcripts); c.305G>A, p.Arg102Lys (NM_001318827.2); c.269G>A, p.Arg90Lys (NM_001318829.2); c.449G>A, p.Arg150Lys (NM_001318832.2); c.-1-1821G>A (NM_001318831.2); short protein forms R139K, R102K, R90K, R150K.
Identifiers: ClinVar variation 953112 (VCV000953112.10), dbSNP rs2085508015, ClinGen allele CA394307148.
Genomic context (GRCh38, chr16:2,054,375, plus strand): 5'-TCAGAGCCCTCTTCTTTAAGGTCATCAAGGATTACCCTTCCAACGAAGACCTTCACGAAA[G>A]GCTGGAGGTTTTCAAGGCCCTCACAGACAATGGGAGACACATCACCTACTTGGAGGAAGA-3'
Protein context (NP_000539.2, residues 129-149): DYPSNEDLHE[Arg139Lys]LEVFKALTDN